The following is an entry in ClinVar:

ClinVar aggregate classification (germline): Pathogenic. Review status: criteria provided, multiple submitters, no conflicts (2 of 4 stars). 2 submissions from 2 submitters: Pathogenic (2). Last evaluated 2025-10-26.

Conditions:
Developmental and epileptic encephalopathy, 42 (DEE42A). Also called: Epileptic encephalopathy, early infantile, 42; DEVELOPMENTAL AND EPILEPTIC ENCEPHALOPATHY 42A; EPILEPTIC ENCEPHALOPATHY, EARLY INFANTILE, 42A. Identifiers: MedGen C4310716, MONDO:0014917, OMIM 617106.
Episodic ataxia type 2 (EA2). Also called: EPISODIC ATAXIA, NYSTAGMUS-ASSOCIATED; ACETAZOLAMIDE-RESPONSIVE HEREDITARY PAROXYSMAL CEREBELLAR ATAXIA; ATAXIA, EPISODIC, WITH NYSTAGMUS; ATAXIA, FAMILIAL PAROXYSMAL; CEREBELLAR ATAXIA, PAROXYSMAL, ACETAZOLAMIDE-RESPONSIVE; CEREBELLOPATHY, HEREDITARY PAROXYSMAL. Identifiers: Orphanet 97, MedGen C1720416, MONDO:0007163, OMIM 108500.

Submissions (2):

GeneDx
Classification: Pathogenic. Last evaluated: 2025-10-26. Review status: criteria provided, single submitter. Criteria: GeneDx Variant Classification Process June 2021. Collection method: clinical testing. Allele origin: germline. Affected: yes.
Comment: Frameshift variant predicted to result in protein truncation or nonsense mediated decay in a gene for which loss-of-function is a known mechanism of disease; Has not been previously published as pathogenic or benign to our knowledge; Not observed at significant frequency in large population cohorts (gnomAD)

Labcorp Genetics (formerly Invitae), Labcorp
Classification: Pathogenic for Developmental and epileptic encephalopathy, 42; Episodic ataxia type 2. Last evaluated: 2024-06-30. Review status: criteria provided, single submitter. Criteria: Invitae Variant Classification Sherloc (09022015). Collection method: clinical testing. Allele origin: germline.
Comment: This sequence change creates a premature translational stop signal (p.Ala158Cysfs*33) in the CACNA1A gene. It is expected to result in an absent or disrupted protein product. Loss-of-function variants in CACNA1A are known to be pathogenic (PMID: 10371528, 19486177, 25735478, 27250579). This variant is not present in population databases (gnomAD no frequency). This variant has not been reported in the literature in individuals affected with CACNA1A-related conditions. ClinVar contains an entry for this variant (Variation ID: 817659). For these reasons, this variant has been classified as Pathogenic.

Literature cited by the submitters: PubMed 10371528 (cited by Labcorp Genetics (formerly Invitae), Labcorp); PubMed 19486177 (cited by Labcorp Genetics (formerly Invitae), Labcorp); PubMed 25735478 (cited by Labcorp Genetics (formerly Invitae), Labcorp); PubMed 27250579 (cited by Labcorp Genetics (formerly Invitae), Labcorp).

NM_001127222.2(CACNA1A):c.471dup (p.Ala158fs)

Gene: CACNA1A (calcium voltage-gated channel subunit alpha1 A; minus strand). Cytogenetic location: 19p13.13.
Variant type: Duplication.
Coding change: c.471dup on transcript NM_001127222.2 (MANE Select); coding-DNA position 471, one base duplicated (T; older notation c.471dupT).
Protein change: p.Ala158fs; shifts the reading frame from alanine 158.
Molecular consequence: frameshift variant.
Genome position (GRCh38, 1-based): chr19:13,452,944, A duplicated on the plus strand (T on the coding strand, the reverse complement: CACNA1A is on the minus strand); the first of 3 consecutive A bases (chr19:13,452,944-13,452,946); duplicating any one gives the same sequence. VCF-style (leftmost placement, unchanged base first): chr19-13452943-C-CA. GRCh37 (hg19) VCF-style: chr19-13563757-C-CA.
Other names: c.471dupT (NM_001127221.1); c.471dup, p.Ala158fs (NM_000068.4, NM_001127221.2, NM_001174080.2 and 1 more transcripts); short protein forms A158fs.
Identifiers: ClinVar variation 817659 (VCV000817659.8), dbSNP rs1599289383, ClinGen allele CA915952879.